The following is an entry in ClinVar:

ClinVar aggregate classification (germline): Uncertain significance (1 of 4 stars; one submission).

Conditions:
SAP130-related disorder. Also called: SAP130-related condition.

Submission:

PreventionGenetics, part of Exact Sciences
Classification: Uncertain significance for SAP130-related condition. Last evaluated: 2023-02-26. Review status: criteria provided, single submitter. Criteria: ACMG Guidelines, 2015. Collection method: clinical testing. Allele origin: germline.
Comment: The SAP130 c.818T>C variant is predicted to result in the amino acid substitution p.Ile273Thr. To our knowledge, this variant has not been reported in the literature or in a large population database, indicating this variant is rare. At this time, the clinical significance of this variant is uncertain due to the absence of conclusive functional and genetic evidence.

NM_001330301.2(SAP130):c.740T>C (p.Ile247Thr)

Gene: SAP130 (Sin3A associated protein 130; minus strand). Cytogenetic location: 2q14.3.
Variant type: single nucleotide variant.
Coding change: c.740T>C on transcript NM_001330301.2 (MANE Select); coding-DNA position 740, T replaced by C.
Protein change: p.Ile247Thr; replaces isoleucine 247 with threonine.
Molecular consequence: missense variant.
Genome position (GRCh38, 1-based): chr2:128,013,034, A>G on the plus strand (T>C on the coding strand, the complement: SAP130 is on the minus strand). VCF-style: chr2-128013034-A-G. GRCh37 (hg19) VCF-style: chr2-128770608-A-G.
Other names: c.818T>C, p.Ile273Thr (NM_001145928.2, NM_024545.4); c.740T>C, p.Ile247Thr (NM_001330299.2, NM_001330300.2, NM_001330302.2 and 1 more transcripts); short protein forms I247T, I273T.
Identifiers: ClinVar variation 2630286 (VCV002630286.1), dbSNP rs2468038723, ClinGen allele CA348448416.